The following is an entry in ClinVar:

ClinVar aggregate classification (germline): Benign (0 of 4 stars; one submission).

Conditions:
HAVCR1-related disorder. Also called: HAVCR1-related condition.

Allele frequency attached by ClinVar (database versions not stated): gnomAD exomes 0.00118; ExAC 0.00433; 1000 Genomes Project 0.01298; gnomAD 0.01300; 1000 Genomes Project 30x 0.01390; TOPMed 0.01457; ESP Exome Variant Server 0.01461.
gnomAD v4.1: 3,762 of 1,612,248 alleles (0.23%); highest among the groups gnomAD compares: African/African-American, 4.5%; 87 homozygotes.

Submission:

PreventionGenetics, part of Exact Sciences
Classification: Benign for HAVCR1-related condition. Last evaluated: 2019-09-11. Review status: no assertion criteria provided. Collection method: clinical testing. Allele origin: germline.
Comment: This variant is classified as benign based on ACMG/AMP sequence variant interpretation guidelines (Richards et al. 2015 PMID: 25741868, with internal and published modifications).

NM_001173393.3(HAVCR1):c.*35G>A

Gene: HAVCR1 (hepatitis A virus cellular receptor 1; minus strand). Cytogenetic location: 5q33.3.
Variant type: single nucleotide variant.
Coding change: c.*35G>A on transcript NM_001173393.3 (MANE Select); 35 bases downstream of the stop codon, G replaced by A.
Molecular consequence: 3 prime UTR variant. On other transcripts: missense variant (1).
Genome position (GRCh38, 1-based): chr5:157,029,698, C>T on the plus strand (G>A on the coding strand, the complement: HAVCR1 is on the minus strand). VCF-style: chr5-157029698-C-T. GRCh37 (hg19) VCF-style: chr5-156456709-C-T.
Other names: c.1096G>A, p.Glu366Lys (NM_001308156.2); c.*35G>A (NM_012206.3); short protein forms E366K.
Identifiers: ClinVar variation 3038946 (VCV003038946.2), dbSNP rs145237072, ClinGen allele CA3531331.